The following is an entry in ClinVar:

NM_022458.4(LMBR1):c.423+5183A>T

Genes: LMBR1 (limb development membrane protein 1; minus strand), ZRS (ZPA regulatory sequence; plus strand). Cytogenetic location: 7q36.3.
Variant type: single nucleotide variant.
Coding change: c.423+5183A>T on transcript NM_022458.4 (MANE Select); 5183 bases into the intron after coding-DNA position 423, A replaced by T.
Molecular consequence: intron variant.
Genome position (GRCh38, 1-based): chr7:156,791,206, T>A on the plus strand (A>T on the coding strand, the complement: LMBR1 is on the minus strand). VCF-style: chr7-156791206-T-A. GRCh37 (hg19) VCF-style: chr7-156583900-T-A.
Other names: c.360+5183A>T (NM_001363412.2); c.144+5183A>T (NM_001350954.2); c.423+5183A>T (NM_001363410.2, NM_001363409.2, NM_001350953.2); c.-112+5183A>T (NM_001350958.2, NM_001350956.2, NM_001350955.2 and 1 more transcripts); c.54+5183A>T (NM_001350957.2, NM_001363411.2).
Identifiers: ClinVar variation 4697683 (VCV004697683.1).

ClinVar aggregate classification (germline): Uncertain significance (1 of 4 stars; one submission).

Submission:

Labcorp Genetics (formerly Invitae), Labcorp
Classification: Uncertain significance. Last evaluated: 2025-06-04. Review status: criteria provided, single submitter. Criteria: Invitae Variant Classification Sherloc (09022015). Collection method: clinical testing. Allele origin: germline.
Comment: This sequence change falls in intron 5 of the LMBR1 gene. It does not directly change the encoded amino acid sequence of the LMBR1 protein. This variant is not present in population databases (gnomAD no frequency). This variant has not been reported in the literature in individuals affected with LMBR1-related conditions. Studies have shown that this variant affects the ZPA regulatory sequence (ZRS) within intron 5 of the LMBR1 gene, which regulates the expression of certain genes that are important for limb development (PMID: 29651423). In summary, the available evidence is currently insufficient to determine the role of this variant in disease. Therefore, it has been classified as a Variant of Uncertain Significance.

Literature cited by the submitters: PubMed 29651423.